The following is an entry in ClinVar:

ClinVar aggregate classification (germline): Uncertain significance. Review status: criteria provided, multiple submitters, no conflicts (2 of 4 stars). 2 submissions from 2 submitters: Uncertain significance (2). Last evaluated 2025-05-19.

Conditions:
Brugada syndrome 5 (BRGDA5). Identifiers: Orphanet 130, Orphanet 871, MedGen C2748541, MONDO:0013015, OMIM 612838.

gnomAD v4.1: 5 of 1,614,192 alleles (0.00031%); highest among the groups gnomAD compares: East Asian, 0.011%; no homozygotes.

Submissions (2):

Labcorp Genetics (formerly Invitae), Labcorp
Classification: Uncertain significance for Brugada syndrome 5. Last evaluated: 2025-05-19. Review status: criteria provided, single submitter. Criteria: Invitae Variant Classification Sherloc (09022015). Collection method: clinical testing. Allele origin: germline.
Comment: The SCN1B gene has multiple clinically relevant transcripts. This variant occurs in alternate transcript NM_001037.4, and corresponds to NM_199037.3:c.*5580A>C in the primary transcript. This sequence change replaces threonine, which is neutral and polar, with proline, which is neutral and non-polar, at codon 212 of the SCN1B protein (p.Thr212Pro). This variant is not present in population databases (gnomAD no frequency). This variant has not been reported in the literature in individuals affected with SCN1B-related conditions. Experimental studies and prediction algorithms are not available or were not evaluated, and the functional significance of this variant is currently unknown. In summary, the available evidence is currently insufficient to determine the role of this variant in disease. Therefore, it has been classified as a Variant of Uncertain Significance.

GeneDx
Classification: Uncertain significance. Last evaluated: 2024-12-03. Review status: criteria provided, single submitter. Criteria: GeneDx Variant Classification Process June 2021. Collection method: clinical testing. Allele origin: germline. Affected: yes.
Comment: Not observed at significant frequency in large population cohorts (gnomAD); In silico analysis indicates that this missense variant does not alter protein structure/function; Has not been previously published as pathogenic or benign to our knowledge

NM_001037.5(SCN1B):c.634A>C (p.Thr212Pro)

Gene: SCN1B (sodium voltage-gated channel beta subunit 1; plus strand). Cytogenetic location: 19q13.11.
Variant type: single nucleotide variant.
Coding change: c.634A>C on transcript NM_001037.5 (MANE Select); coding-DNA position 634, A replaced by C.
Protein change: p.Thr212Pro; replaces threonine 212 with proline.
Molecular consequence: missense variant.
Genome position (GRCh38, 1-based): chr19:35,039,678, A>C. VCF-style: chr19-35039678-A-C. GRCh37 (hg19) VCF-style: chr19-35530582-A-C.
Other names: c.634A>C (NM_001037.4); c.535A>C, p.Thr179Pro (NM_001321605.2); short protein forms T212P, T179P.
Identifiers: ClinVar variation 2985977 (VCV002985977.4), dbSNP rs779647023, ClinGen allele CA405330306.